The following is an entry in ClinVar:

NM_001184880.2(PCDH19):c.3183G>C (p.Ala1061=)

Gene: PCDH19 (protocadherin 19; minus strand). Cytogenetic location: Xq22.1.
Variant type: single nucleotide variant.
Coding change: c.3183G>C on transcript NM_001184880.2 (MANE Select); coding-DNA position 3183, G replaced by C.
Protein change: p.Ala1061=; no amino-acid change (alanine 1061 retained).
Molecular consequence: synonymous variant.
Genome position (GRCh38, 1-based): chrX:100,296,541, C>G on the plus strand (G>C on the coding strand, the complement: PCDH19 is on the minus strand). VCF-style: chrX-100296541-C-G. GRCh37 (hg19) VCF-style: chrX-99551539-C-G.
Other names: c.3042G>C, p.Ala1014= (NM_001105243.2); c.3039G>C, p.Ala1013= (NM_020766.3).
Identifiers: ClinVar variation 2499147 (VCV002499147.28), dbSNP rs746084690, ClinGen allele CA517747633.

ClinVar aggregate classification (germline): Likely benign (1 of 4 stars; one submission).

Submission:

CeGaT Center for Human Genetics Tuebingen
Classification: Likely benign. Last evaluated: 2025-06-01. Review status: criteria provided, single submitter. Criteria: CeGaT Center For Human Genetics Tuebingen Variant Classification Criteria Version 2. Collection method: clinical testing. Allele origin: germline. Affected: yes. Observed: 1 variant allele.
Comment: PCDH19: PM2:Supporting, BP4, BP7